The following is an entry in ClinVar:

ClinVar aggregate classification (germline): Pathogenic (1 of 4 stars; one submission).

Submission:

Labcorp Genetics (formerly Invitae), Labcorp
Classification: Pathogenic. Last evaluated: 2025-08-18. Review status: criteria provided, single submitter. Criteria: Invitae Variant Classification Sherloc (09022015). Collection method: clinical testing. Allele origin: germline.
Comment: This sequence change creates a premature translational stop signal (p.Tyr584*) in the PDZD7 gene. It is expected to result in an absent or disrupted protein product. Loss-of-function variants in PDZD7 are known to be pathogenic (PMID: 20440071). This variant is present in population databases (no rsID available, gnomAD 0.002%). This variant has not been reported in the literature in individuals affected with PDZD7-related conditions. Algorithms developed to predict the effect of sequence changes on RNA splicing suggest that this variant may create or strengthen a splice site. For these reasons, this variant has been classified as Pathogenic.

Literature cited by the submitters: PubMed 20440071.

NM_001195263.2(PDZD7):c.1752T>G (p.Tyr584Ter)

Gene: PDZD7 (PDZ domain containing 7; minus strand). Cytogenetic location: 10q24.31.
Variant type: single nucleotide variant.
Coding change: c.1752T>G on transcript NM_001195263.2 (MANE Select); coding-DNA position 1752, T replaced by G.
Protein change: p.Tyr584Ter; replaces tyrosine 584 with a stop codon.
Molecular consequence: nonsense.
Genome position (GRCh38, 1-based): chr10:101,012,256, A>C on the plus strand (T>G on the coding strand, the complement: PDZD7 is on the minus strand). VCF-style: chr10-101012256-A-C. GRCh37 (hg19) VCF-style: chr10-102772013-A-C.
Other names: c.1749T>G, p.Tyr583Ter (NM_001437429.1); short protein forms Y583*, Y584*.
Identifiers: ClinVar variation 4770309 (VCV004770309.1).